The following is an entry in ClinVar:

ClinVar aggregate classification (germline): Benign (1 of 4 stars; one submission).

Allele frequency attached by ClinVar (database versions not stated): TOPMed 0.01719; 1000 Genomes Project 0.01558; 1000 Genomes Project 30x 0.01624; gnomAD 0.01664 and 0.01568.

Submission:

GeneDx
Classification: Benign. Last evaluated: 2018-06-16. Review status: criteria provided, single submitter. Criteria: GeneDx Variant Classification (06012015). Collection method: clinical testing. Allele origin: germline. Affected: yes.
Comment: This variant is considered likely benign or benign based on one or more of the following criteria: it is a conservative change, it occurs at a poorly conserved position in the protein, it is predicted to be benign by multiple in silico algorithms, and/or has population frequency not consistent with disease.

NM_004281.3(BAG3):c.-543T>C

Gene: BAG3 (BAG cochaperone 3; plus strand). Cytogenetic location: 10q26.11.
Variant type: single nucleotide variant.
Coding change: c.-543T>C on transcript NM_004281.3; 543 bases upstream of the start codon, T replaced by C.
Genome position (GRCh38, 1-based): chr10:119,651,133, T>C. VCF-style: chr10-119651133-T-C. GRCh37 (hg19) VCF-style: chr10-121410645-T-C.
Identifiers: ClinVar variation 671389 (VCV000671389.3), dbSNP rs140579074, ClinGen allele CA214207229.
Genomic context (GRCh38, chr10:119,651,133, plus strand): 5'-AGCACGGGCTCCGGCCCCGGGAACACTCACTCGGCGCAAAGGAGAGGGAGAGAGCGACTA[T>C]GAAAGCCGAAACCCGCCCGGGGCGCACGGAGGACGGCCCCAGTCCAGCTCGTCCGGCTTC-3'